The following is an entry in ClinVar:

NM_001572.5(IRF7):c.1419G>A (p.Leu473=)

Gene: IRF7 (interferon regulatory factor 7; minus strand). Cytogenetic location: 11p15.5.
Variant type: single nucleotide variant.
Coding change: c.1419G>A on transcript NM_001572.5 (MANE Select); coding-DNA position 1419, G replaced by A.
Protein change: p.Leu473=; no amino-acid change (leucine 473 retained).
Molecular consequence: synonymous variant.
Genome position (GRCh38, 1-based): chr11:612,738, C>T on the plus strand (G>A on the coding strand, the complement: IRF7 is on the minus strand). VCF-style: chr11-612738-C-T. GRCh37 (hg19) VCF-style: chr11-612738-C-T.
Other names: c.1332G>A, p.Leu444= (NM_004029.4); c.1458G>A, p.Leu486= (NM_004031.4).
Identifiers: ClinVar variation 1009507 (VCV001009507.8), dbSNP rs1157609757, ClinGen allele CA472434132.

ClinVar aggregate classification (germline): Uncertain significance (1 of 4 stars; one submission).

Conditions:
Immunodeficiency 39 (IMD39). Identifiers: Orphanet 574918, MedGen C4225358, MONDO:0014597, OMIM 616345.

Allele frequency attached by ClinVar (database versions not stated): gnomAD exomes below 0.00001.

Submission:

Labcorp Genetics (formerly Invitae), Labcorp
Classification: Uncertain significance for Immunodeficiency 39. Last evaluated: 2025-03-18. Review status: criteria provided, single submitter. Criteria: Invitae Variant Classification Sherloc (09022015). Collection method: clinical testing. Allele origin: germline.
Comment: This sequence change affects codon 486 of the IRF7 mRNA. It is a 'silent' change, meaning that it does not change the encoded amino acid sequence of the IRF7 protein. This variant is present in population databases (no rsID available, gnomAD 0.003%). This variant has not been reported in the literature in individuals affected with IRF7-related conditions. ClinVar contains an entry for this variant (Variation ID: 1009507). Algorithms developed to predict the effect of sequence changes on RNA splicing suggest that this variant may disrupt the consensus splice site. In summary, the available evidence is currently insufficient to determine the role of this variant in disease. Therefore, it has been classified as a Variant of Uncertain Significance.